The following is an entry in ClinVar:

ClinVar aggregate classification (germline): Uncertain significance (1 of 4 stars; one submission).

gnomAD v4.1: 5 of 1,614,118 alleles (0.00031%); highest among the groups gnomAD compares: African/African-American, 0.0067%; no homozygotes.

Submission:

Labcorp Genetics (formerly Invitae), Labcorp
Classification: Uncertain significance. Last evaluated: 2024-12-18. Review status: criteria provided, single submitter. Criteria: Invitae Variant Classification Sherloc (09022015). Collection method: clinical testing. Allele origin: germline.
Comment: This sequence change replaces glutamic acid, which is acidic and polar, with valine, which is neutral and non-polar, at codon 1629 of the KMT2A protein (p.Glu1629Val). This variant is not present in population databases (gnomAD no frequency). This variant has not been reported in the literature in individuals affected with KMT2A-related conditions. An algorithm developed to predict the effect of missense changes on protein structure and function outputs the following: PolyPhen-2: "Benign". The valine amino acid residue is found in multiple mammalian species, which suggests that this missense change does not adversely affect protein function. In summary, the available evidence is currently insufficient to determine the role of this variant in disease. Therefore, it has been classified as a Variant of Uncertain Significance.

NM_001197104.2(KMT2A):c.4886A>T (p.Glu1629Val)

Gene: KMT2A (lysine methyltransferase 2A; plus strand). Cytogenetic location: 11q23.3.
Variant type: single nucleotide variant.
Coding change: c.4886A>T on transcript NM_001197104.2 (MANE Select); coding-DNA position 4886, A replaced by T.
Protein change: p.Glu1629Val; replaces glutamic acid 1629 with valine.
Molecular consequence: missense variant.
Genome position (GRCh38, 1-based): chr11:118,491,810, A>T. VCF-style: chr11-118491810-A-T. GRCh37 (hg19) VCF-style: chr11-118362525-A-T.
Other names: c.4976A>T, p.Glu1659Val (NM_001412597.1); c.4877A>T, p.Glu1626Val (NM_005933.4); short protein forms E1626V, E1629V, E1659V.
Identifiers: ClinVar variation 3692494 (VCV003692494.2).